The following is an entry in ClinVar:

NM_003628.6(PKP4):c.3068T>G (p.Phe1023Cys)

Genes: PKP4 (plakophilin 4; plus strand), PKP4-AS1 (PKP4 antisense RNA 1; minus strand). Cytogenetic location: 2q24.1.
Variant type: single nucleotide variant.
Coding change: c.3068T>G on transcript NM_003628.6 (MANE Select); coding-DNA position 3068, T replaced by G.
Protein change: p.Phe1023Cys; replaces phenylalanine 1023 with cysteine.
Molecular consequence: missense variant.
Genome position (GRCh38, 1-based): chr2:158,673,941, T>G. VCF-style: chr2-158673941-T-G. GRCh37 (hg19) VCF-style: chr2-159530453-T-G.
Other names: c.3068T>G, p.Phe1023Cys (NM_001005476.4, NM_001377218.1, NM_001377225.1); c.3065T>G, p.Phe1022Cys (NM_001304969.3, NM_001377219.1, NM_001377220.1 and 2 more transcripts); c.2039T>G, p.Phe680Cys (NM_001304970.3); c.3062T>G, p.Phe1021Cys (NM_001377222.1, NM_001377223.1); c.3059T>G, p.Phe1020Cys (NM_001377224.1); short protein forms F1021C, F1020C, F1023C, F680C, F1022C.
Identifiers: ClinVar variation 2448036 (VCV002448036.2), dbSNP rs2529887883, ClinGen allele CA348906983.

ClinVar aggregate classification (germline): Uncertain significance (1 of 4 stars; one submission).

Allele frequency attached by ClinVar (database versions not stated): gnomAD exomes below 0.00001.
gnomAD v4.1: 2 of 1,613,500 alleles (0.00012%); highest among the groups gnomAD compares: African/African-American, 0.0027%; no homozygotes.

Submission:

Ambry Genetics
Classification: Uncertain significance. Last evaluated: 2023-02-28. Review status: criteria provided, single submitter. Criteria: Ambry Variant Classification Scheme 2023. Collection method: clinical testing. Allele origin: germline.
Comment: The p.F1023C variant (also known as c.3068T>G), located in coding exon 18 of the PKP4 gene, results from a T to G substitution at nucleotide position 3068. The phenylalanine at codon 1023 is replaced by cysteine, an amino acid with highly dissimilar properties. This amino acid position is conserved. In addition, the in silico prediction for this alteration is inconclusive. Since supporting evidence is limited at this time, the clinical significance of this alteration remains unclear.